The following is an entry in ClinVar:

ClinVar aggregate classification (germline): Likely benign. Review status: criteria provided, single submitter (1 of 4 stars). 2 submissions from 2 submitters: Likely benign (1). 1 of the submissions does not count toward it. Last evaluated 2025-11-01.

Conditions:
SEMA3F-related disorder. Also called: SEMA3F-related condition.

Allele frequency attached by ClinVar (database versions not stated): TOPMed 0.00006; gnomAD 0.00017; gnomAD exomes 0.00025; ExAC 0.00069; 1000 Genomes Project 30x 0.00172; 1000 Genomes Project 0.00220.
gnomAD v4.1: 407 of 1,613,518 alleles (0.025%); highest among the groups gnomAD compares: South Asian, 0.38%; 5 homozygotes.

Submissions (2):

CeGaT Center for Human Genetics Tuebingen
Classification: Likely benign. Last evaluated: 2025-11-01. Review status: criteria provided, single submitter. Criteria: CeGaT Center For Human Genetics Tuebingen Variant Classification Criteria Version 2. Collection method: clinical testing. Allele origin: germline. Affected: yes. Observed: 2 variant alleles.
Comment: SEMA3F: BS2

PreventionGenetics, part of Exact Sciences
Classification: Likely benign for SEMA3F-related condition. Last evaluated: 2021-07-27. Review status: no assertion criteria provided. Collection method: clinical testing. Allele origin: germline. Not counted in ClinVar's aggregate classification.
Comment: This variant is classified as likely benign based on ACMG/AMP sequence variant interpretation guidelines (Richards et al. 2015 PMID: 25741868, with internal and published modifications).

NM_004186.5(SEMA3F):c.576G>C (p.Glu192Asp)

Gene: SEMA3F (semaphorin 3F; plus strand). Cytogenetic location: 3p21.31.
Variant type: single nucleotide variant.
Coding change: c.576G>C on transcript NM_004186.5 (MANE Select); coding-DNA position 576, G replaced by C.
Protein change: p.Glu192Asp; replaces glutamic acid 192 with aspartic acid.
Molecular consequence: missense variant.
Genome position (GRCh38, 1-based): chr3:50,176,794, G>C. VCF-style: chr3-50176794-G-C. GRCh37 (hg19) VCF-style: chr3-50214227-G-C.
Other names: c.279G>C, p.Glu93Asp (NM_001318798.2); c.483G>C, p.Glu161Asp (NM_001318800.2); short protein forms E161D, E192D, E93D.
Identifiers: ClinVar variation 3038877 (VCV003038877.16), dbSNP rs569472089, ClinGen allele CA2411838.